The following is an entry in ClinVar:

NM_000352.6(ABCC8):c.3944A>G (p.His1315Arg)

Gene: ABCC8 (ATP binding cassette subfamily C member 8; minus strand). Cytogenetic location: 11p15.1.
Variant type: single nucleotide variant.
Coding change: c.3944A>G on transcript NM_000352.6 (MANE Select); coding-DNA position 3944, A replaced by G.
Protein change: p.His1315Arg; replaces histidine 1315 with arginine.
Molecular consequence: missense variant. On other transcripts: non-coding transcript variant (1).
Genome position (GRCh38, 1-based): chr11:17,397,237, T>C on the plus strand (A>G on the coding strand, the complement: ABCC8 is on the minus strand). VCF-style: chr11-17397237-T-C. GRCh37 (hg19) VCF-style: chr11-17418784-T-C.
Other names: c.3947A>G, p.His1316Arg (NM_001287174.3); c.4010A>G, p.His1337Arg (NM_001351295.2); c.3944A>G, p.His1315Arg (NM_001351296.2); c.3941A>G, p.His1314Arg (NM_001351297.2); short protein forms H1314R, H1315R, H1316R, H1337R.
Identifiers: ClinVar variation 4910732 (VCV004910732.2).
Genomic context (GRCh38, chr11:17,397,237, plus strand): 5'-TCCCTGAGCCTCTCACCCAGGAGCCCCTCGTAGCTCTCTGCCTCGGTTTTCAGGAGCCCA[T>C]GGATGCGCTTCACAGCCCCCAGCTGGAGCTCCATGTCTGCCAGGTTCCTCACCATCCAGT-3'
Protein context (NP_000343.2, residues 1305-1325): ELQLGAVKRI[His1315Arg]GLLKTEAESY

ClinVar aggregate classification (germline): Uncertain significance. Review status: criteria provided, multiple submitters, no conflicts (2 of 4 stars). 2 submissions from 2 submitters: Uncertain significance (2). Last evaluated 2026-05-13.

Conditions:
Hyperinsulinemic hypoglycemia, familial, 1 (HHF1). Also called: Persistent hyperinsulinemic hypoglycemia of infancy; HYPERINSULINISM, FAMILIAL, WITH PANCREATIC NESIDIOBLASTOSIS; HYPOGLYCEMIA, HYPERINSULINEMIC, OF INFANCY; NESIDIOBLASTOSIS OF PANCREAS; Persistent Hyperinsulinemia Hypoglycemia of Infancy. Identifiers: Orphanet 276575, Orphanet 276598, MedGen C2931832, MONDO:0009734, OMIM 256450.

gnomAD v4.1: 7 of 1,613,616 alleles (0.00043%); highest among the groups gnomAD compares: African/African-American, 0.0027%; no homozygotes.

Submissions (2):

Myriad Genetics, Inc.
Classification: Uncertain significance for Hyperinsulinemic hypoglycemia, familial, 1. Last evaluated: 2026-05-13. Review status: criteria provided, single submitter. Criteria: Myriad Autosomal Dominant, Autosomal Recessive and X-Linked Classification Criteria (2023). Collection method: clinical testing. Allele origin: unknown.
Comment: NM_000352.3(ABCC8):c.3944A>G(H1315R) is a missense variant classified as a variant of uncertain significance in the context of familial hyperinsulinism, ABCC8-related. H1315R has not been observed in cases with relevant disease. Relevant functional assessments of this variant are not available in the literature. H1315R has not been observed in referenced population frequency databases. In summary, there is insufficient evidence to classify NM_000352.3(ABCC8):c.3944A>G(H1315R) as pathogenic or benign. Please note: this variant was assessed in the context of healthy population screening.

Blueprint Genetics
Classification: Uncertain significance. Last evaluated: 2023-07-05. Review status: criteria provided, single submitter. Criteria: ACMG Guidelines, 2015. Collection method: clinical testing. Allele origin: germline.